The following is an entry in ClinVar:

ClinVar aggregate classification (germline): Uncertain significance (1 of 4 stars; one submission).

Conditions:
Autosomal dominant polycystic kidney disease. Identifiers: Orphanet 730, MedGen C0085413, MONDO:0004691.

Submission:

Labcorp Genetics (formerly Invitae), Labcorp
Classification: Uncertain significance for Autosomal dominant polycystic kidney disease. Last evaluated: 2023-02-24. Review status: criteria provided, single submitter. Criteria: Invitae Variant Classification Sherloc (09022015). Collection method: clinical testing. Allele origin: germline.
Comment: In summary, the available evidence is currently insufficient to determine the role of this variant in disease. Therefore, it has been classified as a Variant of Uncertain Significance. Advanced modeling of protein sequence and biophysical properties (such as structural, functional, and spatial information, amino acid conservation, physicochemical variation, residue mobility, and thermodynamic stability) performed at Invitae indicates that this missense variant is not expected to disrupt PKD2 protein function. This variant has not been reported in the literature in individuals affected with PKD2-related conditions. This variant is not present in population databases (gnomAD no frequency). This sequence change replaces isoleucine, which is neutral and non-polar, with valine, which is neutral and non-polar, at codon 640 of the PKD2 protein (p.Ile640Val).

NM_000297.4(PKD2):c.1918A>G (p.Ile640Val)

Gene: PKD2 (polycystin 2, transient receptor potential cation channel; plus strand). Cytogenetic location: 4q22.1.
Variant type: single nucleotide variant.
Coding change: c.1918A>G on transcript NM_000297.4 (MANE Select); coding-DNA position 1918, A replaced by G.
Protein change: p.Ile640Val; replaces isoleucine 640 with valine.
Molecular consequence: missense variant.
Genome position (GRCh38, 1-based): chr4:88,058,002, A>G. VCF-style: chr4-88058002-A-G. GRCh37 (hg19) VCF-style: chr4-88979154-A-G.
Other names: short protein forms I640V.
Identifiers: ClinVar variation 2807551 (VCV002807551.3), dbSNP rs2475959296, ClinGen allele CA357623064.